The following is an entry in ClinVar:

ClinVar aggregate classification (germline): Uncertain significance (1 of 4 stars; one submission).

gnomAD v4.1: 25 of 1,608,460 alleles (0.0016%); highest among the groups gnomAD compares: Non-Finnish European, 0.002%; no homozygotes.

Submission:

Labcorp Genetics (formerly Invitae), Labcorp
Classification: Uncertain significance. Last evaluated: 2025-11-04. Review status: criteria provided, single submitter. Criteria: Invitae Variant Classification Sherloc (09022015). Collection method: clinical testing. Allele origin: germline.
Comment: This sequence change replaces alanine, which is neutral and non-polar, with threonine, which is neutral and polar, at codon 48 of the SUCO protein (p.Ala48Thr). This variant is present in population databases (no rsID available, gnomAD 0.003%). This variant has not been reported in the literature in individuals affected with SUCO-related conditions. An algorithm developed to predict the effect of missense changes on protein structure and function (PolyPhen-2) suggests that this variant is likely to be tolerated. In summary, the available evidence is currently insufficient to determine the role of this variant in disease. Therefore, it has been classified as a Variant of Uncertain Significance.

NM_014283.5(SUCO):c.142G>A (p.Ala48Thr)

Gene: SUCO (SUN domain containing ossification factor; plus strand). Cytogenetic location: 1q24.3.
Variant type: single nucleotide variant.
Coding change: c.142G>A on transcript NM_014283.5 (MANE Select); coding-DNA position 142, G replaced by A.
Protein change: p.Ala48Thr; replaces alanine 48 with threonine.
Molecular consequence: missense variant. On other transcripts: 5 prime UTR variant (1).
Genome position (GRCh38, 1-based): chr1:172,551,591, G>A. VCF-style: chr1-172551591-G-A. GRCh37 (hg19) VCF-style: chr1-172520731-G-A.
Other names: c.142G>A, p.Ala48Thr (NM_001282750.2); c.-1388G>A (NM_001282751.2); c.727G>A, p.Ala243Thr (NM_016227.4); short protein forms A243T, A48T.
Identifiers: ClinVar variation 4801068 (VCV004801068.1).